The following is an entry in ClinVar:

NM_000059.4(BRCA2):c.7516C>G (p.Gln2506Glu)

Gene: BRCA2 (BRCA2 DNA repair associated; plus strand). Cytogenetic location: 13q13.1.
Variant type: single nucleotide variant.
Coding change: c.7516C>G on transcript NM_000059.4 (MANE Select); coding-DNA position 7516, C replaced by G.
Protein change: p.Gln2506Glu; replaces glutamine 2506 with glutamic acid.
Molecular consequence: missense variant.
Genome position (GRCh38, 1-based): chr13:32,356,508, C>G. VCF-style: chr13-32356508-C-G. GRCh37 (hg19) VCF-style: chr13-32930645-C-G.
Other names: c.7420C>G, p.Gln2474Glu (NM_001406719.1); c.7516C>G, p.Gln2506Glu (NM_001406720.1); c.2584C>G, p.Gln862Glu (NM_001406721.1); c.1099C>G, p.Gln367Glu (NM_001406722.1); short protein forms Q2474E, Q2506E, Q367E, Q862E.
Identifiers: ClinVar variation 1718128 (VCV001718128.6), dbSNP rs876658631, ClinGen allele CA387743504.

ClinVar aggregate classification (germline): Uncertain significance (1 of 4 stars; one submission).

Conditions:
Hereditary breast ovarian cancer syndrome. Also called: BRCA1- and BRCA2-Associated Hereditary Breast and Ovarian Cancer; Hereditary breast and ovarian cancer syndrome (HBOC); Hereditary breast and/or ovarian cancer syndrome; Hereditary breast and ovarian cancer syndrome; Hereditary breast and ovarian cancer; Breast and ovarian cancer. Identifiers: Orphanet 145, MedGen C0677776, MeSH D061325, MONDO:0003582. Disease mechanism: loss of function.

Submission:

Labcorp Genetics (formerly Invitae), Labcorp
Classification: Uncertain significance for Hereditary breast ovarian cancer syndrome. Last evaluated: 2022-08-27. Review status: criteria provided, single submitter. Criteria: Invitae Variant Classification Sherloc (09022015). Collection method: clinical testing. Allele origin: germline.
Comment: In summary, the available evidence is currently insufficient to determine the role of this variant in disease. Therefore, it has been classified as a Variant of Uncertain Significance. This sequence change replaces glutamine, which is neutral and polar, with glutamic acid, which is acidic and polar, at codon 2506 of the BRCA2 protein (p.Gln2506Glu). This variant is not present in population databases (gnomAD no frequency). This variant has not been reported in the literature in individuals affected with BRCA2-related conditions. Advanced modeling of protein sequence and biophysical properties (such as structural, functional, and spatial information, amino acid conservation, physicochemical variation, residue mobility, and thermodynamic stability) performed at Invitae indicates that this missense variant is not expected to disrupt BRCA2 protein function. Algorithms developed to predict the effect of sequence changes on RNA splicing suggest that this variant may disrupt the consensus splice site.